The following is an entry in ClinVar:

NM_000053.4(ATP7B):c.1646T>C (p.Leu549Pro)

Gene: ATP7B (ATPase copper transporting beta; minus strand). Cytogenetic location: 13q14.3.
Variant type: single nucleotide variant.
Coding change: c.1646T>C on transcript NM_000053.4 (MANE Select); coding-DNA position 1646, T replaced by C.
Protein change: p.Leu549Pro; replaces leucine 549 with proline.
Molecular consequence: missense variant. On other transcripts: intron variant (1).
Genome position (GRCh38, 1-based): chr13:51,968,505, A>G on the plus strand (T>C on the coding strand, the complement: ATP7B is on the minus strand). VCF-style: chr13-51968505-A-G. GRCh37 (hg19) VCF-style: chr13-52542641-A-G.
Other names: c.1646T>C, p.Leu549Pro (NM_001005918.3, NM_001330578.2, NM_001330579.2 and 26 more transcripts); c.1313T>C, p.Leu438Pro (NM_001243182.2); c.1613T>C, p.Leu538Pro (NM_001406514.1, NM_001406524.1); c.1550T>C, p.Leu517Pro (NM_001406530.1, NM_001406536.1, NM_001406517.1 and 3 more transcripts); c.1285+5430T>C (NM_001406548.1); c.1217T>C, p.Leu406Pro (NM_001406539.1); short protein forms L406P, L438P, L517P, L538P, L549P.
Identifiers: ClinVar variation 3385587 (VCV003385587.1).

ClinVar aggregate classification (germline): Uncertain significance (1 of 4 stars; one submission).

Conditions:
Wilson disease (WND). Also called: Wilson's disease. Identifiers: Orphanet 905, MedGen C0019202, MONDO:0010200, OMIM 277900. Disease mechanism: loss of function.

gnomAD v4.1: 2 of 1,614,126 alleles (0.00012%); highest among the groups gnomAD compares: Non-Finnish European, 0.00017%; no homozygotes.

Submission:

All of Us Research Program, National Institutes of Health
Classification: Uncertain significance for Wilson disease. Last evaluated: 2024-03-24. Review status: criteria provided, single submitter. Criteria: ACMG Guidelines, 2015. Collection method: clinical testing. Allele origin: germline. Inheritance: Autosomal recessive inheritance. Observed: 1 variant allele, 1 heterozygote.
Comment: This missense variant replaces leucine with proline at codon 549 of the ATP7B protein. Computational prediction suggests that this variant may have deleterious impact on protein structure and function. To our knowledge, functional studies have not been reported for this variant. This variant has been observed in at least four individuals affected with autosomal recessive Wilson's Disease, with one confirmed to be in the homozygous state (PMID: 21682854, 22940187), indicating that this variant contributes to disease. This variant has not been identified in the general population by the Genome Aggregation Database (gnomAD). The available evidence is insufficient to determine the role of this variant in disease conclusively. Therefore, this variant is classified as a Variant of Uncertain Significance.

This study involves interpretation of variants in research participants for the purpose of population health screening. Participant phenotype was not available at the time of variant classification. Additional details can be found in publication PMID: 35346344, PMCID: PMC8962531

Literature cited by the submitters: PubMed 21682854; PubMed 22940187.